The following is an entry in ClinVar:

NM_005476.7(GNE):c.770-2A>G

Gene: GNE (glucosamine (UDP-N-acetyl)-2-epimerase/N-acetylmannosamine kinase; minus strand). Cytogenetic location: 9p13.3.
Variant type: single nucleotide variant.
Coding change: c.770-2A>G on transcript NM_005476.7 (MANE Select); the canonical splice acceptor site of the intron before coding-DNA position 770, A replaced by G.
Molecular consequence: splice acceptor variant.
Genome position (GRCh38, 1-based): chr9:36,234,134, T>C on the plus strand (A>G on the coding strand, the complement: GNE is on the minus strand). VCF-style: chr9-36234134-T-C. GRCh37 (hg19) VCF-style: chr9-36234131-T-C.
Other names: c.593-2A>G (NM_001190388.2, NM_001374798.1); c.863-2A>G (NM_001128227.3); c.440-2A>G (NM_001190384.3); c.617-2A>G (NM_001374797.1); c.770-2A>G (NM_001190383.3).
Identifiers: ClinVar variation 4786899 (VCV004786899.1).

ClinVar aggregate classification (germline): Likely pathogenic (1 of 4 stars; one submission).

Conditions:
Sialuria. Also called: SIALURIA, FRENCH TYPE; Sialic Acid Storage Disease. Identifiers: Orphanet 3166, MedGen C0342853, MONDO:0010028, OMIM 269921.
GNE myopathy (NM). Also called: NONAKA DISTAL MYOPATHY; INCLUSION BODY MYOPATHY, HEREDITARY, AUTOSOMAL RECESSIVE; INCLUSION BODY MYOPATHY 2, AUTOSOMAL RECESSIVE; MYOPATHY, DISTAL, WITH OR WITHOUT RIMMED VACUOLES; IBM 2; Inclusion body myopathy autosomal recessive. Identifiers: Orphanet 602, MedGen C1853926, MONDO:0011603, OMIM 605820.

Submission:

Labcorp Genetics (formerly Invitae), Labcorp
Classification: Likely pathogenic for Sialuria; GNE myopathy. Last evaluated: 2025-12-08. Review status: criteria provided, single submitter. Criteria: Invitae Variant Classification Sherloc (09022015). Collection method: clinical testing. Allele origin: germline.
Comment: This sequence change affects an acceptor splice site in intron 4 of the GNE gene. It is expected to disrupt RNA splicing. Variants that disrupt the donor or acceptor splice site typically lead to a loss of protein function (PMID: 16199547), and loss-of-function variants in GNE are known to be pathogenic (PMID: 24027297). This variant is not present in population databases (gnomAD no frequency). This variant has not been reported in the literature in individuals affected with GNE-related conditions. Algorithms developed to predict the effect of sequence changes on RNA splicing suggest that this variant may disrupt the consensus splice site. In summary, the currently available evidence indicates that the variant is pathogenic, but additional data are needed to prove that conclusively. Therefore, this variant has been classified as Likely Pathogenic.

Literature cited by the submitters: PubMed 16199547; PubMed 24027297.